The following is an entry in ClinVar:

NM_005428.4(VAV1):c.895G>T (p.Ala299Ser)

Gene: VAV1 (vav guanine nucleotide exchange factor 1; plus strand). Cytogenetic location: 19p13.3.
Variant type: single nucleotide variant.
Coding change: c.895G>T on transcript NM_005428.4 (MANE Select); coding-DNA position 895, G replaced by T.
Protein change: p.Ala299Ser; replaces alanine 299 with serine.
Molecular consequence: missense variant.
Genome position (GRCh38, 1-based): chr19:6,826,679, G>T. VCF-style: chr19-6826679-G-T. GRCh37 (hg19) VCF-style: chr19-6826690-G-T.
Other names: c.895G>T, p.Ala299Ser (NM_001258206.2); c.799G>T, p.Ala267Ser (NM_001258207.2); short protein forms A267S, A299S.
Identifiers: ClinVar variation 1997059 (VCV001997059.4), dbSNP rs865782015, ClinGen allele CA403619004.

ClinVar aggregate classification (germline): Uncertain significance (1 of 4 stars; one submission).

Submission:

Labcorp Genetics (formerly Invitae), Labcorp
Classification: Uncertain significance. Last evaluated: 2024-08-14. Review status: criteria provided, single submitter. Criteria: Invitae Variant Classification Sherloc (09022015). Collection method: clinical testing. Allele origin: germline.
Comment: This sequence change replaces alanine, which is neutral and non-polar, with serine, which is neutral and polar, at codon 299 of the VAV1 protein (p.Ala299Ser). This variant is not present in population databases (gnomAD no frequency). This variant has not been reported in the literature in individuals affected with VAV1-related conditions. ClinVar contains an entry for this variant (Variation ID: 1997059). An algorithm developed to predict the effect of missense changes on protein structure and function outputs the following: PolyPhen-2: "Benign". The serine amino acid residue is found in multiple mammalian species, which suggests that this missense change does not adversely affect protein function. In summary, the available evidence is currently insufficient to determine the role of this variant in disease. Therefore, it has been classified as a Variant of Uncertain Significance.